The following is an entry in ClinVar:

ClinVar aggregate classification (germline): Pathogenic (1 of 4 stars; one submission).

Conditions:
Hereditary breast ovarian cancer syndrome. Also called: Hereditary breast and ovarian cancer; Hereditary breast and/or ovarian cancer syndrome; BRCA1- and BRCA2-Associated Hereditary Breast and Ovarian Cancer; Hereditary breast and ovarian cancer syndrome; Hereditary breast and ovarian cancer syndrome (HBOC); Breast and ovarian cancer. Identifiers: Orphanet 145, MedGen C0677776, MeSH D061325, MONDO:0003582. Disease mechanism: loss of function.

Submission:

Labcorp Genetics (formerly Invitae), Labcorp
Classification: Pathogenic for Hereditary breast ovarian cancer syndrome. Last evaluated: 2020-11-24. Review status: criteria provided, single submitter. Criteria: Invitae Variant Classification Sherloc (09022015). Collection method: clinical testing. Allele origin: germline.
Comment: For these reasons, this variant has been classified as Pathogenic. This variant has not been reported in the literature in individuals with BRCA2-related conditions. This variant is not present in population databases (ExAC no frequency). This sequence change creates a premature translational stop signal (p.Glu2959Glyfs*59) in the BRCA2 gene. It is expected to result in an absent or disrupted protein product. Loss-of-function variants in BRCA2 are known to be pathogenic (PMID: 20104584).

Literature cited by the submitters: PubMed 20104584.

NM_000059.4(BRCA2):c.8875dup (p.Glu2959fs)

Gene: BRCA2 (BRCA2 DNA repair associated; plus strand). Cytogenetic location: 13q13.1.
Variant type: Duplication.
Coding change: c.8875dup on transcript NM_000059.4 (MANE Select); coding-DNA position 8875, one base duplicated (G; older notation c.8875dupG).
Protein change: p.Glu2959fs; shifts the reading frame from glutamic acid 2959.
Molecular consequence: frameshift variant.
Genome position (GRCh38, 1-based): chr13:32,379,437, G duplicated; the last of 2 consecutive G bases (chr13:32,379,436-32,379,437); duplicating either gives the same sequence. VCF-style (leftmost placement, unchanged base first): chr13-32379435-A-AG. GRCh37 (hg19) VCF-style: chr13-32953572-A-AG.
Other names: short protein forms E2959fs.
Identifiers: ClinVar variation 1364298 (VCV001364298.6), dbSNP rs2137620036, ClinGen allele CA2573149228.